The following is an entry in ClinVar:

NM_004369.4(COL6A3):c.6855G>A (p.Gly2285=)

Gene: COL6A3 (collagen type VI alpha 3 chain; minus strand). Cytogenetic location: 2q37.3.
Variant type: single nucleotide variant.
Coding change: c.6855G>A on transcript NM_004369.4 (MANE Select); coding-DNA position 6855, G replaced by A.
Protein change: p.Gly2285=; no amino-acid change (glycine 2285 retained).
Molecular consequence: synonymous variant.
Genome position (GRCh38, 1-based): chr2:237,350,171, C>T on the plus strand (G>A on the coding strand, the complement: COL6A3 is on the minus strand). VCF-style: chr2-237350171-C-T. GRCh37 (hg19) VCF-style: chr2-238258814-C-T.
Other names: c.5034G>A, p.Gly1678= (NM_057166.5); c.6237G>A, p.Gly2079= (NM_057167.4); c.6855G>A (NM_004369.3).
Identifiers: ClinVar variation 1127435 (VCV001127435.11), dbSNP rs3790993, ClinGen allele CA431676543.
Genomic context (GRCh38, chr2:237,350,171, plus strand): 5'-AGCGACAGCCTGACCCCAAGCGCGCTGTGACCTTACCGTCTCCCCACGAGGGCCCCGGTT[C>T]CCGATTCCTCCTTTTGGTCCTGGCTCTCCGGGCTCACCCTAGACATGAGAAACATGGCTG-3'
Protein context (NP_004360.2, residues 2275-2295): PGEPGPKGGI[Gly2285=]NRGPRGETGD

ClinVar aggregate classification (germline): Likely benign. Review status: criteria provided, single submitter (1 of 4 stars). 2 submissions from 2 submitters: Likely benign (1). 1 of the submissions does not count toward it. Last evaluated 2024-10-15.

Conditions:
Bethlem myopathy 1A. Also called: MYOPATHY, BENIGN CONGENITAL, WITH CONTRACTURES; Bethlem myopathy 1; Bethlem Muscular Dystrophy. Identifiers: Orphanet 610, MedGen CN029274, MONDO:0024530, OMIM 158810.
COL6A3-related disorder. Also called: COL6A3-related condition; COL6A3-related disorders.

gnomAD v4.1: 3 of 1,613,724 alleles (0.00019%); highest among the groups gnomAD compares: African/African-American, 0.0013%; no homozygotes.

Submissions (2):

Labcorp Genetics (formerly Invitae), Labcorp
Classification: Likely benign for Bethlem myopathy 1A. Last evaluated: 2024-10-15. Review status: criteria provided, single submitter. Criteria: Invitae Variant Classification Sherloc (09022015). Collection method: clinical testing. Allele origin: germline.

PreventionGenetics, part of Exact Sciences
Classification: Likely benign for COL6A3-related condition. Last evaluated: 2023-11-16. Review status: no assertion criteria provided. Collection method: clinical testing. Allele origin: germline. Not counted in ClinVar's aggregate classification.
Comment: This variant is classified as likely benign based on ACMG/AMP sequence variant interpretation guidelines (Richards et al. 2015 PMID: 25741868, with internal and published modifications).